The following is an entry in ClinVar:

ClinVar aggregate classification (germline): Likely pathogenic (1 of 4 stars; one submission).

Conditions:
Autosomal recessive nonsyndromic hearing loss 84B. Also called: Deafness, autosomal recessive 84b. Identifiers: Orphanet 90636, MedGen C3554159, MONDO:0013984, OMIM 614944.

Submission:

Juno Genomics, Hangzhou Juno Genomics, Inc
Classification: Likely pathogenic for Autosomal recessive nonsyndromic hearing loss 84B. Review status: criteria provided, single submitter. Criteria: ACMG Guidelines, 2015. Collection method: clinical testing. Allele origin: germline.
Comment: Null variant in a gene where loss of function (LOF) is a known mechanism of disease.;Absent from controls (or at extremely low frequency if recessive) in Genome Aggregation Database.

NM_001378609.3(OTOGL):c.3154_3155del (p.Ile1052fs)

Gene: OTOGL (otogelin like; plus strand). Cytogenetic location: 12q21.31.
Variant type: Microsatellite.
Coding change: c.3154_3155del on transcript NM_001378609.3 (MANE Select); coding-DNA positions 3154 to 3155, 2 bases deleted (AT; older notation c.3154_3155delAT).
Protein change: p.Ile1052fs; shifts the reading frame from isoleucine 1052.
Molecular consequence: frameshift variant.
Genome position (GRCh38, 1-based): chr12:80,302,724-80,302,725, AT deleted; deleting any 2 consecutive bases within chr12:80,302,722-80,302,725 gives the same sequence; the c. name uses the placement nearest the transcript's 3' end. VCF-style (leftmost placement, unchanged base first): chr12-80302721-GAT-G. GRCh37 (hg19) VCF-style: chr12-80696501-GAT-G.
Other names: c.3019_3020del, p.Ile1007fs (NM_001368062.3); c.3154_3155del, p.Ile1052fs (NM_001378610.3, NM_173591.7); short protein forms I1007fs, I1052fs.
Identifiers: ClinVar variation 5005164 (VCV005005164.2).